The following is an entry in ClinVar:

ClinVar aggregate classification (germline): Uncertain significance (1 of 4 stars; one submission).

gnomAD v4.1: 2 of 1,608,148 alleles (0.00012%); highest among the groups gnomAD compares: Non-Finnish European, 0.00017%; no homozygotes.

Submission:

Women's Health and Genetics/Laboratory Corporation of America, LabCorp
Classification: Uncertain significance. Last evaluated: 2026-06-15. Review status: criteria provided, single submitter. Criteria: LabCorp Variant Classification Summary - May 2015. Collection method: clinical testing. Allele origin: germline.
Comment: Variant summary: PKD1 c.12785C>T (p.Pro4262Leu) results in a non-conservative amino acid change in the encoded protein sequence. Algorithms developed to predict the effect of missense changes on protein structure and function are either unavailable or do not agree on the potential impact of this missense change. The frequency data for this variant in gnomAD is considered unreliable, as metrics indicate poor data quality at this position. To our knowledge, no occurrence of c.12785C>T in individuals affected with PKD1-related conditions and no experimental evidence demonstrating its impact on protein function have been reported. No submitters have cited clinical-significance assessments for this variant to ClinVar. Based on the evidence outlined above, the variant was classified as uncertain significance.

NM_001009944.3(PKD1):c.12785C>T (p.Pro4262Leu)

Gene: PKD1 (polycystin 1, transient receptor potential channel interacting; minus strand). Cytogenetic location: 16p13.3.
Variant type: single nucleotide variant.
Coding change: c.12785C>T on transcript NM_001009944.3 (MANE Select); coding-DNA position 12785, C replaced by T.
Protein change: p.Pro4262Leu; replaces proline 4262 with leucine.
Molecular consequence: missense variant.
Genome position (GRCh38, 1-based): chr16:2,089,854, G>A on the plus strand (C>T on the coding strand, the complement: PKD1 is on the minus strand). VCF-style: chr16-2089854-G-A. GRCh37 (hg19) VCF-style: chr16-2139855-G-A.
Other names: c.12782C>T, p.Pro4261Leu (NM_000296.4); short protein forms P4261L, P4262L.
Identifiers: ClinVar variation 4887237 (VCV004887237.1).